The following is an entry in ClinVar:

NM_000441.2(SLC26A4):c.1547dup (p.Ser517fs)

Gene: SLC26A4 (solute carrier family 26 member 4; plus strand). Cytogenetic location: 7q22.3.
Variant type: Duplication.
Coding change: c.1547dup on transcript NM_000441.2 (MANE Select); coding-DNA position 1547, one base duplicated (C; older notation c.1547dupC).
Protein change: p.Ser517fs; shifts the reading frame from serine 517.
Molecular consequence: frameshift variant.
Genome position (GRCh38, 1-based): chr7:107,698,044, C duplicated; the last of 2 consecutive C bases (chr7:107,698,043-107,698,044); duplicating either gives the same sequence. VCF-style (leftmost placement, unchanged base first): chr7-107698042-T-TC. GRCh37 (hg19) VCF-style: chr7-107338487-T-TC.
Other names: c.1545_1546insC (NM_000441.2); c.1547dup (NM_000441.1); short protein forms S517fs.
Identifiers: ClinVar variation 188759 (VCV000188759.27), dbSNP rs786204450, ClinGen allele CA273923.

ClinVar aggregate classification (germline): Pathogenic/Likely pathogenic. Review status: criteria provided, multiple submitters, no conflicts (2 of 4 stars). 11 submissions from 11 submitters: Pathogenic (8); Likely pathogenic (1). 2 of the submissions do not count toward it. Last evaluated 2026-04-10.

Conditions:
SLC26A4-related disorder. Also called: SLC26A4-related condition; SLC26A4-related disorders.
Pendred syndrome (PDS). Also called: DEAFNESS WITH GOITER; GOITER-DEAFNESS SYNDROME; HYPOTHYROIDISM, CONGENITAL, DUE TO DYSHORMONOGENESIS, 2B; Pendred Syndrome (PDS); THYROID DYSHORMONOGENESIS 2B; THYROID HORMONOGENESIS, GENETIC DEFECT IN, 2B. Identifiers: Orphanet 705, MedGen C0271829, MONDO:0010134, OMIM 274600.
Autosomal recessive nonsyndromic hearing loss 4 (DFNB4). Also called: Enlarged vestibular aqueduct, digenic; Deafness, autosomal recessive 4; NEUROSENSORY NONSYNDROMIC RECESSIVE DEAFNESS 4; DEAFNESS, AUTOSOMAL RECESSIVE 4, WITH ENLARGED VESTIBULAR AQUEDUCT, DIGENIC; FOXI1-Related Pendred Syndrome; KCNJ10-Related Pendred Syndrome. Identifiers: Orphanet 90636, MedGen C3538946, MONDO:0010933, OMIM 600791.

Submissions (11):

GeneDx
Classification: Pathogenic. Last evaluated: 2026-04-10. Review status: criteria provided, single submitter. Criteria: GeneDx Variant Classification Process June 2021. Collection method: clinical testing. Allele origin: germline.
Comment: Identified in additional patients with sensorineural hearing loss referred for genetic testing at GeneDx and in published literature (PMID: 27247933, 30733538, 35939872, 36597107); Frameshift variant predicted to result in protein truncation or nonsense mediated decay in a gene for which loss-of-function is a known mechanism of disease; This variant is associated with the following publications: (PMID: 34416374, 21961810, 20842945, 19786220, 12676893, 24341454, 23918157, 23151031, 23151025, 21704276, 30733538, 30275481, 34170635, 32447495, 35314707, 34628810, 36126472, 36597107, 27247933, 33199029, 35982127, 27997596, 35939872, 39336818)

Natera, Inc.
Classification: Pathogenic for Pendred syndrome. Last evaluated: 2026-01-04. Review status: criteria provided, single submitter. Criteria: Natera Variant Classification Schema (03/2026). Collection method: clinical testing. Allele origin: germline.
Comment: The c.1547dupC variant in SLC26A4 is a frameshift variant predicted to shift the reading frame beginning at codon 517 and leads to a stop codon 10 codons downstream. This variant is expected to result in nonsense mediated decay, truncation, or a dysfunctional protein product. This variant is rare in the general population with a frequency below the threshold expected for the associated phenotype(s). This variant has been observed in one or more individuals affected with the associated recessive disease, as either homozygous or compound heterozygous with a second variant (PMID: 24612839). Given the available evidence, this variant is classified as Pathogenic.

Labcorp Genetics (formerly Invitae), Labcorp
Classification: Pathogenic. Last evaluated: 2025-08-25. Review status: criteria provided, single submitter. Criteria: Invitae Variant Classification Sherloc (09022015). Collection method: clinical testing. Allele origin: germline.
Comment: This sequence change creates a premature translational stop signal (p.Ser517Phefs*10) in the SLC26A4 gene. It is expected to result in an absent or disrupted protein product. Loss-of-function variants in SLC26A4 are known to be pathogenic (PMID: 16283880, 25394566, 26252218, 26445815). This variant is present in population databases (rs776972633, gnomAD 0.03%). This premature translational stop signal has been observed in individuals with non-syndromic hearing loss (PMID: 19786220, 20842945, 21704276). ClinVar contains an entry for this variant (Variation ID: 188759). For these reasons, this variant has been classified as Pathogenic.

Fulgent Genetics
Classification: Pathogenic for Pendred syndrome; Autosomal recessive nonsyndromic hearing loss 4. Last evaluated: 2024-06-21. Review status: criteria provided, single submitter. Criteria: ACMG Guidelines, 2015. Collection method: clinical testing. Allele origin: germline.

Baylor Genetics
Classification: Pathogenic for Autosomal recessive nonsyndromic hearing loss 4. Last evaluated: 2024-03-14. Review status: criteria provided, single submitter. Criteria: ACMG Guidelines, 2015. Collection method: clinical testing. Allele origin: unknown.

Blueprint Genetics
Classification: Pathogenic for SLC26A4-related disorders. Last evaluated: 2024-02-27. Review status: criteria provided, single submitter. Criteria: ACMG Guidelines, 2015. Collection method: clinical testing. Allele origin: germline. Affected: yes. Observed: 2 variant alleles.

Victorian Clinical Genetics Services, Murdoch Childrens Research Institute
Classification: Pathogenic for Pendred syndrome. Last evaluated: 2022-06-24. Review status: criteria provided, single submitter. Criteria: ACMG Guidelines, 2015. Collection method: clinical testing. Allele origin: germline. Inheritance: Autosomal recessive inheritance.
Comment: Based on the classification scheme VCGS_Germline_v1.3.4, this variant is classified as Pathogenic. Following criteria are met: 0102 - Loss of function is a known mechanism of disease in this gene and is associated with deafness with enlarged vestibular aqueduct (MIM#600791) and Pendred syndrome (MIM#274600). (I) 0106 - This gene is associated with autosomal recessive disease. (I) 0201 - Variant is predicted to cause nonsense-mediated decay (NMD) and loss of protein (premature termination codon is located at least 54 nucleotides upstream of the final exon-exon junction). (SP) 0251 - This variant is heterozygous. (I) 0304 - Variant is present in gnomAD (v2) <0.01 for a recessive condition (5 heterozygotes, 0 homozygotes). (SP) 0701 - Other NMD-predicted variants comparable to the one identified in this case have very strong previous evidence for pathogenicity (ClinVar, DECIPHER). (SP) 0801 - This variant has strong previous evidence of pathogenicity in unrelated individuals. This variant has been reported in multiple individuals with enlarged vestibular aqueduct (PMID: 27997596, PMID: 24612839, ClinVar). (SP) 1101 - Very strong and specific phenotype match for this individual. (I) Legend: (SP) - Supporting pathogenic, (I) - Information, (SB) - Supporting benign

Genome-Nilou Lab
Classification: Likely pathogenic for Pendred syndrome. Last evaluated: 2021-09-05. Review status: criteria provided, single submitter. Criteria: ACMG Guidelines, 2015. Collection method: clinical testing. Allele origin: germline. Affected: no.

Juno Genomics, Hangzhou Juno Genomics, Inc
Classification: Pathogenic for Autosomal recessive nonsyndromic hearing loss 4; Pendred syndrome. Review status: criteria provided, single submitter. Criteria: ACMG Guidelines, 2015. Collection method: clinical testing. Allele origin: germline.
Comment: Null variant in a gene where loss of function (LOF) is a known mechanism of disease.;For recessive disorders, detected in trans with a pathogenic variant.;Co-segregation with disease in multiple affected family members.

WangQJ Lab, Chinese People's Liberation Army General Hospital
Classification: Pathogenic for Autosomal recessive nonsyndromic hearing loss 4. Last evaluated: 2021-07-01. Review status: no assertion criteria provided. Collection method: clinical testing. Allele origin: paternal. Affected: yes. Not counted in ClinVar's aggregate classification.

Counsyl
Classification: Likely pathogenic for Pendred's syndrome. Last evaluated: 2014-04-15. Review status: no assertion criteria provided. Collection method: literature only. Allele origin: unknown. Inheritance: Autosomal recessive inheritance. Not counted in ClinVar's aggregate classification.

Literature cited by the submitters: PubMed 24612839 (cited by Natera, Inc. and Victorian Clinical Genetics Services, Murdoch Childrens Research Institute); PubMed 16283880 (cited by Labcorp Genetics (formerly Invitae), Labcorp); PubMed 25394566 (cited by Labcorp Genetics (formerly Invitae), Labcorp); PubMed 26252218 (cited by Labcorp Genetics (formerly Invitae), Labcorp); PubMed 26445815 (cited by Labcorp Genetics (formerly Invitae), Labcorp); PubMed 19786220 (cited by Labcorp Genetics (formerly Invitae), Labcorp and Counsyl); PubMed 20842945 (cited by Labcorp Genetics (formerly Invitae), Labcorp); PubMed 21704276 (cited by Labcorp Genetics (formerly Invitae), Labcorp); PubMed 27997596 (cited by Victorian Clinical Genetics Services, Murdoch Childrens Research Institute); PubMed 23151031 (cited by Counsyl); PubMed 23918157 (cited by Counsyl); PubMed 23151025 (cited by Counsyl); PubMed 21961810 (cited by Counsyl); PubMed 24341454 (cited by Counsyl); PubMed 12676893 (cited by Counsyl).